The following is an entry in ClinVar:

NM_003482.4(KMT2D):c.1820C>T (p.Pro607Leu)

Gene: KMT2D (lysine methyltransferase 2D; minus strand). Cytogenetic location: 12q13.12.
Variant type: single nucleotide variant.
Coding change: c.1820C>T on transcript NM_003482.4 (MANE Select); coding-DNA position 1820, C replaced by T.
Protein change: p.Pro607Leu; replaces proline 607 with leucine.
Molecular consequence: missense variant.
Genome position (GRCh38, 1-based): chr12:49,051,863, G>A on the plus strand (C>T on the coding strand, the complement: KMT2D is on the minus strand). VCF-style: chr12-49051863-G-A. GRCh37 (hg19) VCF-style: chr12-49445646-G-A.
Other names: short protein forms P607L.
Identifiers: ClinVar variation 2806334 (VCV002806334.5), dbSNP rs552820628, ClinGen allele CA6548415.

ClinVar aggregate classification (germline): Benign. Review status: criteria provided, single submitter (1 of 4 stars). 2 submissions from 2 submitters: Benign (1). 1 of the submissions does not count toward it. Last evaluated 2024-01-16.

Conditions:
Kabuki syndrome. Also called: Kabuki make-up syndrome; NIIKAWA-KUROKI SYNDROME. Identifiers: Orphanet 2322, MedGen C0796004, MONDO:0016512.
KMT2D-related disorder. Also called: KMT2D-Related Disorders.

Allele frequency attached by ClinVar (database versions not stated): TOPMed 0.00001; gnomAD exomes 0.00002; gnomAD 0.00003; ExAC 0.00007; 1000 Genomes Project 30x 0.00016; 1000 Genomes Project 0.00020.
gnomAD v4.1: 32 of 1,613,010 alleles (0.002%); highest among the groups gnomAD compares: Non-Finnish European, 0.00017%; no homozygotes.

Submissions (2):

Labcorp Genetics (formerly Invitae), Labcorp
Classification: Benign for Kabuki syndrome. Last evaluated: 2024-01-16. Review status: criteria provided, single submitter. Criteria: Invitae Variant Classification Sherloc (09022015). Collection method: clinical testing. Allele origin: germline.

PreventionGenetics, part of Exact Sciences
Classification: Likely benign for KMT2D-related condition. Last evaluated: 2020-06-11. Review status: no assertion criteria provided. Collection method: clinical testing. Allele origin: germline. Not counted in ClinVar's aggregate classification.
Comment: This variant is classified as likely benign based on ACMG/AMP sequence variant interpretation guidelines (Richards et al. 2015 PMID: 25741868, with internal and published modifications).